The following is an entry in ClinVar:

NM_000465.4(BARD1):c.709C>G (p.Gln237Glu)

Gene: BARD1 (BRCA1 associated RING domain 1; minus strand). Cytogenetic location: 2q35.
Variant type: single nucleotide variant.
Coding change: c.709C>G on transcript NM_000465.4 (MANE Select); coding-DNA position 709, C replaced by G.
Protein change: p.Gln237Glu; replaces glutamine 237 with glutamic acid.
Molecular consequence: missense variant. On other transcripts: non-coding transcript variant (2), intron variant (3).
Genome position (GRCh38, 1-based): chr2:214,781,165, G>C on the plus strand (C>G on the coding strand, the complement: BARD1 is on the minus strand). VCF-style: chr2-214781165-G-C. GRCh37 (hg19) VCF-style: chr2-215645889-G-C.
Other names: p.Q237E:CAA>GAA; c.652C>G, p.Gln218Glu (NM_001282543.2); c.158+28247C>G (NM_001282548.2); c.215+15896C>G (NM_001282545.2); c.364+11132C>G (NM_001282549.2); short protein forms Q237E, Q218E.
Identifiers: ClinVar variation 127745 (VCV000127745.31), dbSNP rs587780035, ClinGen allele CA331823.

ClinVar aggregate classification (germline): Conflicting classifications of pathogenicity. Review status: criteria provided, conflicting classifications (1 of 4 stars). 11 submissions from 11 submitters: Uncertain significance (8); Likely benign (3). Last evaluated 2026-01-28.

Conditions:
BARD1-related disorder. Also called: BARD1-related condition.
BARD1-related cancer predisposition. Identifiers: MedGen CN377756, MONDO:0700267.
Hereditary cancer-predisposing syndrome. Also called: Neoplastic Syndromes, Hereditary; Tumor predisposition; Hereditary Cancer Syndrome; Hereditary neoplastic syndrome. Identifiers: Orphanet 140162, MedGen C0027672, MeSH D009386, MONDO:0015356.
Familial cancer of breast. Also called: hereditary breast carcinoma; Hereditary breast cancer; BREAST CANCER, FAMILIAL. Identifiers: Orphanet 227535, MedGen C0346153, MONDO:0016419, OMIM 114480. Disease mechanism: loss of function.

Allele frequency attached by ClinVar (database versions not stated): TOPMed 0.00004; gnomAD 0.00005; ExAC 0.00010.
gnomAD v4.1: 199 of 1,579,440 alleles (0.013%); highest among the groups gnomAD compares: Non-Finnish European, 0.017%; no homozygotes.

Submissions (11):

Labcorp Genetics (formerly Invitae), Labcorp
Classification: Uncertain significance for Familial cancer of breast. Last evaluated: 2026-01-28. Review status: criteria provided, single submitter. Criteria: Invitae Variant Classification Sherloc (09022015). Collection method: clinical testing. Allele origin: germline.
Comment: This sequence change replaces glutamine, which is neutral and polar, with glutamic acid, which is acidic and polar, at codon 237 of the BARD1 protein (p.Gln237Glu). This variant is present in population databases (rs587780035, gnomAD 0.02%). This missense change has been observed in individual(s) with ovarian cancer and/or suspected Lynch syndrome (PMID: 25980754, 34326862). ClinVar contains an entry for this variant (Variation ID: 127745). An algorithm developed to predict the effect of missense changes on protein structure and function outputs the following: PolyPhen-2: "Benign". The glutamic acid amino acid residue is found in multiple mammalian species, which suggests that this missense change does not adversely affect protein function. In summary, the available evidence is currently insufficient to determine the role of this variant in disease. Therefore, it has been classified as a Variant of Uncertain Significance.

PreventionGenetics, part of Exact Sciences
Classification: Uncertain significance for BARD1-related condition. Last evaluated: 2025-08-06. Review status: criteria provided, single submitter. Criteria: ACMG Guidelines, 2015. Collection method: clinical testing. Allele origin: germline.
Comment: The BARD1 c.709C>G variant is predicted to result in the amino acid substitution p.Gln237Glu. This variant has been reported in patients undergoing testing for Lynch syndrome or hereditary cancer (Yurgelun et al. 2015. PubMed ID: 25980754; Table S4, Bhai et al. 2021. PubMed ID: 34326862). This variant is reported in 0.016% of alleles in individuals of European (Non-Finnish) descent in gnomAD and has conflicting interpretations regarding its pathogenicity in ClinVar, ranging from likely benign to uncertain (Variation ID: 127745). Although we suspect that this variant may be benign, at this time, the clinical significance of this variant is uncertain due to the absence of conclusive functional and genetic evidence.

Center for Genomic Medicine, Rigshospitalet, Copenhagen University Hospital
Classification: Uncertain significance. Last evaluated: 2025-03-04. Review status: criteria provided, single submitter. Criteria: ACMG Guidelines, 2015. Collection method: clinical testing. Allele origin: germline.

GeneDx
Classification: Uncertain significance. Last evaluated: 2024-12-16. Review status: criteria provided, single submitter. Criteria: GeneDx Variant Classification Process June 2021. Collection method: clinical testing. Allele origin: germline. Affected: yes.
Comment: Observed in individuals with ovarian cancer, a Lynch syndrome-related cancer and/or polyps, and breast cancer, as well as in unaffected controls (PMID: 33471991, 25980754, 34326862); In silico analysis indicates that this missense variant does not alter protein structure/function; This variant is associated with the following publications: (PMID: 25186949, 29292755, 25980754, 33471991, 34326862)

Color Diagnostics, LLC DBA Color Health
Classification: Likely benign for Hereditary cancer-predisposing syndrome. Last evaluated: 2024-09-19. Review status: criteria provided, single submitter. Criteria: ACMG Guidelines, 2015. Collection method: clinical testing. Allele origin: germline.

Myriad Genetics, Inc.
Classification: Likely benign for Familial cancer of breast. Last evaluated: 2024-07-22. Review status: criteria provided, single submitter. Criteria: Myriad Autosomal Dominant, Autosomal Recessive and X-Linked Classification Criteria (2023). Collection method: clinical testing. Allele origin: unknown.
Comment: This variant is considered likely benign. This variant is strongly associated with less severe personal and family histories of cancer, typical for individuals without pathogenic variants in this gene [PMID: 25085752].

Department of Pathology and Laboratory Medicine, Sinai Health System
Classification: Uncertain significance for BARD1-related cancer predisposition. Last evaluated: 2021-12-15. Review status: criteria provided, single submitter. Criteria: ACMG Guidelines, 2015. Collection method: clinical testing. Allele origin: germline. Affected: yes.

Sema4
Classification: Uncertain significance for Hereditary cancer-predisposing syndrome. Last evaluated: 2021-09-25. Review status: criteria provided, single submitter. Criteria: Sema4 Curation Guidelines. Collection method: curation. Allele origin: germline.
Comment: The BARD1 c.709C>G (p.Q237E) variant has been reported in heterozygosity in at least one individual undergoing testing for Lynch syndrome (PMID: 25980754). It has also been reported in a large breast cancer case-control study, where it was found in both cases and controls (PMID: 33471991). This variant was observed in 17/103796 chromosomes in the European (non-Finnish) population, with no homozygotes, according to the Genome Aggregation Database (PMID: 27535533), and has been reported in ClinVar (Variation ID 127745). Functional studies have not been performed, and in silico predictions of the variant's effect on protein function are inconclusive. Based on the current evidence available, this variant is interpreted as a variant of uncertain significance.

Quest Diagnostics Nichols Institute San Juan Capistrano
Classification: Uncertain significance. Last evaluated: 2019-03-14. Review status: criteria provided, single submitter. Criteria: Quest Diagnostics criteria. Collection method: clinical testing. Allele origin: germline.

Ambry Genetics
Classification: Likely benign for Hereditary cancer-predisposing syndrome. Last evaluated: 2019-01-22. Review status: criteria provided, single submitter. Criteria: Ambry Variant Classification Scheme 2023. Collection method: clinical testing. Allele origin: germline.

Women's Health and Genetics/Laboratory Corporation of America, LabCorp
Classification: Uncertain significance. Last evaluated: 2016-07-11. Review status: criteria provided, single submitter. Criteria: LabCorp Variant Classification Summary - May 2015. Collection method: clinical testing. Allele origin: germline.
Comment: Variant summary: The BARD1 c.709C>G (p.Gln237Glu) variant causes a missense change involving a non-conserved nucleotide with 4/4 in silico tools (SNPs&GO not captured due to low reliability index) predict a benign outcome, although these predictions have yet to be functionally assessed. The variant of interest was observed in the large, broad control population, ExAC, with an allele frequency of 11/114928 (1/10448), predominantly in the European (Non-Finnish) cohort, 11/64678 (1/5878), these frequencies do not exceed the estimated maximal expected allele frequency of a pathogenic BARD1 variant (0.0002188). The variant of interest was observed in an affected individual via a publication with limited information (ie, lack of cosegregation data) not allowing for an independent evaluation. Multiple clinical laboratories have cited the variant as "uncertain signficance." Therefore, taking all available lines of evidence into consideration, the variant of interest has been classified as a "Variant of Uncertain Significance (VUS)," until additional information becomes available.

Literature cited by the submitters: PubMed 25980754 (cited by 4 submitters); PubMed 34326862 (cited by Labcorp Genetics (formerly Invitae), Labcorp); PubMed 25085752 (cited by Myriad Genetics, Inc.); PubMed 33471991 (cited by Sema4).